The following is an entry in ClinVar:

NM_019616.4(F7):c.142C>T (p.Pro48Ser)

Gene: F7 (coagulation factor VII; plus strand). Cytogenetic location: 13q34.
Variant type: single nucleotide variant.
Coding change: c.142C>T on transcript NM_019616.4 (MANE Select); coding-DNA position 142, C replaced by T.
Protein change: p.Pro48Ser; replaces proline 48 with serine.
Molecular consequence: missense variant. On other transcripts: non-coding transcript variant (1), intron variant (1).
Genome position (GRCh38, 1-based): chr13:113,110,767, C>T. VCF-style: chr13-113110767-C-T. GRCh37 (hg19) VCF-style: chr13-113765081-C-T.
Other names: c.208C>T, p.Pro70Ser (NM_000131.5); c.65-3080C>T (NM_001267554.2); c.208C>T (NM_000131.3); short protein forms P48S, P70S.
Identifiers: ClinVar variation 1703844 (VCV001703844.8), dbSNP rs373376565, ClinGen allele CA7059865.

ClinVar aggregate classification (germline): Conflicting classifications of pathogenicity. Review status: criteria provided, conflicting classifications (1 of 4 stars). 4 submissions from 4 submitters: Uncertain significance (3); Likely benign (1). Last evaluated 2025-09-17.

Conditions:
Congenital factor VII deficiency. Identifiers: Orphanet 327, MedGen C0272320, MONDO:0009211, OMIM 227500.
F7-related disorder. Also called: F7-related condition.
Inborn genetic diseases. Identifiers: MedGen C0950123, MeSH D030342.

Allele frequency attached by ClinVar (database versions not stated): ExAC 0.00034; gnomAD exomes 0.00041 and 0.00056; TOPMed 0.00042; gnomAD 0.00050; 1000 Genomes Project 30x 0.00016; ESP Exome Variant Server 0.00024.

Submissions (4):

PreventionGenetics, part of Exact Sciences
Classification: Uncertain significance for F7-related condition. Last evaluated: 2025-09-17. Review status: criteria provided, single submitter. Criteria: ACMG Guidelines, 2015. Collection method: clinical testing. Allele origin: germline.
Comment: The F7 c.208C>T variant is predicted to result in the amino acid substitution p.Pro70Ser. This variant was reported in a cohort of individuals with Factor VII deficiency (Supplementary Table S1, Halimeh et al. 2023. PubMed ID: 38202056). This variant is reported in 0.079% of alleles in individuals of European (Non-Finnish) descent in gnomAD. Although we suspect that this variant may be benign, at this time, the clinical significance of this variant is uncertain due to the absence of conclusive functional and genetic evidence.

Blueprint Genetics
Classification: Likely benign. Last evaluated: 2024-11-21. Review status: criteria provided, single submitter. Criteria: ACMG Guidelines, 2015. Collection method: clinical testing. Allele origin: germline.

Ambry Genetics
Classification: Uncertain significance for Inborn genetic diseases. Last evaluated: 2021-09-16. Review status: criteria provided, single submitter. Criteria: Ambry Variant Classification Scheme 2023. Collection method: clinical testing. Allele origin: germline.

ISTH-SSC Genomics in Thrombosis and Hemostasis, KU Leuven, Center for Molecular and Vascular Biology
Classification: Uncertain significance for Congenital factor VII deficiency. Review status: criteria provided, single submitter. Criteria: ACMG Guidelines, 2015. Collection method: clinical testing. Allele origin: germline. Affected: yes. Observed: 1 heterozygote.
Comment: Submitted to GoldVariant by Kathleen Freson, Center for Molecular and Vascular Biology, Leuven, Belgium